The following is an entry in ClinVar:

NM_000038.6(APC):c.3347G>T (p.Gly1116Val)

Gene: APC (APC regulator of Wnt signaling pathway; plus strand). Cytogenetic location: 5q22.2.
Variant type: single nucleotide variant.
Coding change: c.3347G>T on transcript NM_000038.6 (MANE Select); coding-DNA position 3347, G replaced by T.
Protein change: p.Gly1116Val; replaces glycine 1116 with valine.
Molecular consequence: missense variant.
Genome position (GRCh38, 1-based): chr5:112,838,941, G>T. VCF-style: chr5-112838941-G-T. GRCh37 (hg19) VCF-style: chr5-112174638-G-T.
Other names: c.3347G>T, p.Gly1116Val (NM_001127510.3, NM_001354895.2, NM_001407450.1); c.3293G>T, p.Gly1098Val (NM_001127511.3); c.3401G>T, p.Gly1134Val (NM_001354896.2, NM_001407447.1, NM_001407448.1 and 1 more transcripts); c.3377G>T, p.Gly1126Val (NM_001354897.2); c.3272G>T, p.Gly1091Val (NM_001354898.2); c.3263G>T, p.Gly1088Val (NM_001354899.2); c.3224G>T, p.Gly1075Val (NM_001354900.2); c.3170G>T, p.Gly1057Val (NM_001354901.2, NM_001407453.1); and 12 more; short protein forms G1057V, G1126V, G1134V, G1075V, G1033V, G1116V, G732V, G833V.
Identifiers: ClinVar variation 2015874 (VCV002015874.5), dbSNP rs730881224, ClinGen allele CA16028668.

ClinVar aggregate classification (germline): Uncertain significance. Review status: criteria provided, multiple submitters, no conflicts (2 of 4 stars). 2 submissions from 2 submitters: Uncertain significance (2). Last evaluated 2026-07-07.

Conditions:
Hereditary cancer-predisposing syndrome. Also called: Hereditary neoplastic syndrome; Neoplastic Syndromes, Hereditary; Tumor predisposition; Hereditary Cancer Syndrome. Identifiers: Orphanet 140162, MedGen C0027672, MeSH D009386, MONDO:0015356.
Familial adenomatous polyposis 1 (FAP1). Also called: FAMILIAL ADENOMATOUS POLYPOSIS 1, ATTENUATED; POLYPOSIS, ADENOMATOUS INTESTINAL. Identifiers: MedGen C2713442, MONDO:0021056, OMIM 175100. Disease mechanism: loss of function.

Submissions (2):

Ambry Genetics
Classification: Uncertain significance for Hereditary cancer-predisposing syndrome. Last evaluated: 2026-07-07. Review status: criteria provided, single submitter. Criteria: Ambry Variant Classification Scheme 2023. Collection method: clinical testing. Allele origin: germline.
Comment: The p.G1116V variant (also known as c.3347G>T), located in coding exon 15 of the APC gene, results from a G to T substitution at nucleotide position 3347. The glycine at codon 1116 is replaced by valine, an amino acid with dissimilar properties. This amino acid position is conserved. In addition, in silico predictors for this gene do not accurately predict pathogenicity. Based on the available evidence, the clinical significance of this variant remains unclear.

Labcorp Genetics (formerly Invitae), Labcorp
Classification: Uncertain significance for Familial adenomatous polyposis 1. Last evaluated: 2024-10-16. Review status: criteria provided, single submitter. Criteria: Invitae Variant Classification Sherloc (09022015). Collection method: clinical testing. Allele origin: germline.
Comment: This sequence change replaces glycine, which is neutral and non-polar, with valine, which is neutral and non-polar, at codon 1116 of the APC protein (p.Gly1116Val). This variant is not present in population databases (gnomAD no frequency). This variant has not been reported in the literature in individuals affected with APC-related conditions. ClinVar contains an entry for this variant (Variation ID: 2015874). Invitae Evidence Modeling of protein sequence and biophysical properties (such as structural, functional, and spatial information, amino acid conservation, physicochemical variation, residue mobility, and thermodynamic stability) indicates that this missense variant is not expected to disrupt APC protein function with a negative predictive value of 95%. In summary, the available evidence is currently insufficient to determine the role of this variant in disease. Therefore, it has been classified as a Variant of Uncertain Significance.